The following is an entry in ClinVar:

ClinVar aggregate classification (germline): Uncertain significance (1 of 4 stars; one submission).

Conditions:
Generalized epilepsy-paroxysmal dyskinesia syndrome (PNKD3). Also called: Generalized epilepsy and paroxysmal dyskinesia; Paroxysmal nonkinesigenic dyskinesia, 3, with or without generalized epilepsy. Identifiers: Orphanet 79137, MedGen C5574945, MONDO:0012276, OMIM 609446.

Submission:

Labcorp Genetics (formerly Invitae), Labcorp
Classification: Uncertain significance for Generalized epilepsy-paroxysmal dyskinesia syndrome. Last evaluated: 2026-01-13. Review status: criteria provided, single submitter. Criteria: Invitae Variant Classification Sherloc (09022015). Collection method: clinical testing. Allele origin: germline.
Comment: This sequence change replaces threonine, which is neutral and polar, with isoleucine, which is neutral and non-polar, at codon 705 of the KCNMA1 protein (p.Thr705Ile). This variant is not present in population databases (gnomAD no frequency). This variant has not been reported in the literature in individuals affected with KCNMA1-related conditions. Invitae Evidence Modeling of protein sequence and biophysical properties (such as structural, functional, and spatial information, amino acid conservation, physicochemical variation, residue mobility, and thermodynamic stability) indicates that this missense variant is not expected to disrupt KCNMA1 protein function with a negative predictive value of 80%. In summary, the available evidence is currently insufficient to determine the role of this variant in disease. Therefore, it has been classified as a Variant of Uncertain Significance.

NM_001161352.2(KCNMA1):c.2288C>T (p.Thr763Ile)

Genes: KCNMA1 (potassium calcium-activated channel subfamily M alpha 1; minus strand), KCNMA1-AS1 (KCNMA1 antisense RNA 1; plus strand). Cytogenetic location: 10q22.3.
Variant type: single nucleotide variant.
Coding change: c.2288C>T on transcript NM_001161352.2 (MANE Select); coding-DNA position 2288, C replaced by T.
Protein change: p.Thr763Ile; replaces threonine 763 with isoleucine.
Molecular consequence: missense variant.
Genome position (GRCh38, 1-based): chr10:76,970,046, G>A on the plus strand (C>T on the coding strand, the complement: KCNMA1 is on the minus strand). VCF-style: chr10-76970046-G-A. GRCh37 (hg19) VCF-style: chr10-78729804-G-A.
Other names: c.2126C>T, p.Thr709Ile (NM_001014797.3, NM_001322835.2, NM_001322837.2); c.2114C>T, p.Thr705Ile (NM_001161353.2, NM_001322832.2, NM_001410940.1 and 1 more transcripts); c.1964C>T, p.Thr655Ile (NM_001271518.2); c.2123C>T, p.Thr708Ile (NM_001271519.2, NM_001322829.2, NM_001322836.2); c.2135C>T, p.Thr712Ile (NM_001322830.2); c.1661C>T, p.Thr554Ile (NM_001322838.2); c.2246C>T, p.Thr749Ile (NM_001437422.1); c.2201C>T, p.Thr734Ile (NM_001437423.1); short protein forms T708I, T712I, T734I, T705I, T763I, T554I, T655I, T709I.
Identifiers: ClinVar variation 4740662 (VCV004740662.1).